The following is an entry in ClinVar:

NM_138800.3(TRIM43):c.1254T>C (p.Asn418=)

Gene: TRIM43 (tripartite motif containing 43). Cytogenetic location: 2q11.1.
Variant type: single nucleotide variant.
Coding change: c.1254T>C on transcript NM_138800.3 (MANE Select); coding-DNA position 1254, T replaced by C.
Protein change: p.Asn418=; no amino-acid change (asparagine 418 retained).
Molecular consequence: synonymous variant.
Genome position (GRCh38, 1-based): chr2:95,599,486, T>C. VCF-style: chr2-95599486-T-C. GRCh37 (hg19) VCF-style: chr2-96265234-T-C.
Identifiers: ClinVar variation 3778362 (VCV003778362.7).

ClinVar aggregate classification (germline): Likely benign (1 of 4 stars; one submission).

Submission:

CeGaT Center for Human Genetics Tuebingen
Classification: Likely benign. Last evaluated: 2025-03-01. Review status: criteria provided, single submitter. Criteria: CeGaT Center For Human Genetics Tuebingen Variant Classification Criteria Version 2. Collection method: clinical testing. Allele origin: germline. Affected: yes. Observed: 1 variant allele.
Comment: TRIM43: BP4, BP7